The following is an entry in ClinVar:

NM_000368.5(TSC1):c.1002G>C (p.Ser334=)

Gene: TSC1 (TSC complex subunit 1; minus strand). Cytogenetic location: 9q34.13.
Variant type: single nucleotide variant.
Coding change: c.1002G>C on transcript NM_000368.5 (MANE Select); coding-DNA position 1002, G replaced by C.
Protein change: p.Ser334=; no amino-acid change (serine 334 retained).
Molecular consequence: synonymous variant.
Genome position (GRCh38, 1-based): chr9:132,911,480, C>G on the plus strand (G>C on the coding strand, the complement: TSC1 is on the minus strand). VCF-style: chr9-132911480-C-G. GRCh37 (hg19) VCF-style: chr9-135786867-C-G.
Other names: c.1002G>C (NM_000368.4); c.1002G>C, p.Ser334= (NM_001162426.2); c.849G>C, p.Ser283= (NM_001162427.2); c.639G>C, p.Ser213= (NM_001362177.2).
Identifiers: ClinVar variation 1118409 (VCV001118409.10), dbSNP rs200820603, ClinGen allele CA026675.
Genomic context (GRCh38, chr9:132,911,480, plus strand): 5'-AGGAGAGAGCAGGCACACTAGTTGACACCATACTTGTGGTGGTTCAGTTATCAGCCGTGT[C>G]GATGGGGAACTCAGAGTCTGAGGTAGCTGCCCTGGCATATTTAACAACATCAGCCGAGAC-3'
Protein context (NP_000359.1, residues 324-344): GQLPQTLSSP[Ser334=]TRLITEPPQA

ClinVar aggregate classification (germline): Conflicting classifications of pathogenicity. Review status: criteria provided, conflicting classifications (1 of 4 stars). 2 submissions from 2 submitters: Uncertain significance (1); Likely benign (1). Last evaluated 2024-03-06.

Conditions:
Hereditary cancer-predisposing syndrome. Also called: Neoplastic Syndromes, Hereditary; Hereditary Cancer Syndrome; Hereditary neoplastic syndrome; Tumor predisposition. Identifiers: Orphanet 140162, MedGen C0027672, MeSH D009386, MONDO:0015356.
Tuberous sclerosis 1 (TSC1). Identifiers: Orphanet 805, MedGen C1854465, MONDO:0008612, OMIM 191100.

gnomAD v4.1: 2 of 1,613,558 alleles (0.00012%); highest among the groups gnomAD compares: Non-Finnish European, 0.00017%; no homozygotes.

Submissions (2):

Labcorp Genetics (formerly Invitae), Labcorp
Classification: Likely benign for Tuberous sclerosis 1. Last evaluated: 2024-03-06. Review status: criteria provided, single submitter. Criteria: Invitae Variant Classification Sherloc (09022015). Collection method: clinical testing. Allele origin: germline.

Ambry Genetics
Classification: Uncertain significance for Hereditary cancer-predisposing syndrome. Last evaluated: 2023-08-28. Review status: criteria provided, single submitter. Criteria: Ambry Variant Classification Scheme 2023. Collection method: clinical testing. Allele origin: germline.
Comment: The c.1002G>C variant (also known as p.S334S), located in coding exon 8 of the TSC1 gene, results from a G to C substitution at nucleotide position 1002. This nucleotide substitution does not change the at codon 334. This nucleotide position is poorly conserved in available vertebrate species. In silico splice site analysis for this alteration is inconclusive. Since supporting evidence is limited at this time, the clinical significance of this alteration remains unclear.